The following is an entry in ClinVar:

NM_000334.4(SCN4A):c.4945G>A (p.Glu1649Lys)

Genes: GH-LCR (growth hormone locus control region; plus strand), SCN4A (sodium voltage-gated channel alpha subunit 4; minus strand). Cytogenetic location: 17q23.3.
Variant type: single nucleotide variant.
Coding change: c.4945G>A on transcript NM_000334.4 (MANE Select); coding-DNA position 4945, G replaced by A.
Protein change: p.Glu1649Lys; replaces glutamic acid 1649 with lysine.
Molecular consequence: missense variant.
Genome position (GRCh38, 1-based): chr17:63,941,337, C>T on the plus strand (G>A on the coding strand, the complement: SCN4A is on the minus strand). VCF-style: chr17-63941337-C-T. GRCh37 (hg19) VCF-style: chr17-62018697-C-T.
Other names: short protein forms E1649K.
Identifiers: ClinVar variation 2081754 (VCV002081754.4), dbSNP rs1555600645, ClinGen allele CA400614486.
Genomic context (GRCh38, chr17:63,941,337, plus strand): 5'-CCATGGGCAAGTCCAGTGTGATGAGCTTGATCTTGTTGGGCTTGGCAATCCTCAGCGGTT[C>T]CTGCAGGGTGTCCACGAAGTCTGAGAGGCGGCTGTAGGCGATGAACTGGGTGGCGTCGGG-3'
Protein context (NP_000325.4, residues 1639-1659): RLSDFVDTLQ[Glu1649Lys]PLRIAKPNKI

ClinVar aggregate classification (germline): Uncertain significance (1 of 4 stars; one submission).

Conditions:
Hyperkalemic periodic paralysis. Also called: Familial hyperkalemic periodic paralysis; Gamstorp disease. Identifiers: Orphanet 682, MedGen C0238357, MONDO:0008224, OMIM 170500, HP:0007215.

Allele frequency attached by ClinVar (database versions not stated): TOPMed below 0.00001.

Submission:

Labcorp Genetics (formerly Invitae), Labcorp
Classification: Uncertain significance for Hyperkalemic periodic paralysis. Last evaluated: 2022-03-27. Review status: criteria provided, single submitter. Criteria: Invitae Variant Classification Sherloc (09022015). Collection method: clinical testing. Allele origin: germline.
Comment: Algorithms developed to predict the effect of missense changes on protein structure and function are either unavailable or do not agree on the potential impact of this missense change (SIFT: "Deleterious"; PolyPhen-2: "Benign"; Align-GVGD: "Class C15"). In summary, the available evidence is currently insufficient to determine the role of this variant in disease. Therefore, it has been classified as a Variant of Uncertain Significance. This variant has not been reported in the literature in individuals affected with SCN4A-related conditions. This variant is not present in population databases (gnomAD no frequency). This sequence change replaces glutamic acid, which is acidic and polar, with lysine, which is basic and polar, at codon 1649 of the SCN4A protein (p.Glu1649Lys).